The following is an entry in ClinVar:

NM_170699.3(GPBAR1):c.628G>A (p.Glu210Lys)

Gene: GPBAR1 (G protein-coupled bile acid receptor 1; plus strand). Cytogenetic location: 2q35.
Variant type: single nucleotide variant.
Coding change: c.628G>A on transcript NM_170699.3 (MANE Select); coding-DNA position 628, G replaced by A.
Protein change: p.Glu210Lys; replaces glutamic acid 210 with lysine.
Molecular consequence: missense variant.
Genome position (GRCh38, 1-based): chr2:218,263,352, G>A. VCF-style: chr2-218263352-G-A. GRCh37 (hg19) VCF-style: chr2-219128075-G-A.
Other names: c.628G>A, p.Glu210Lys (NM_001077191.2, NM_001077194.2, NM_001321950.2); short protein forms E210K.
Identifiers: ClinVar variation 4985863 (VCV004985863.1).

ClinVar aggregate classification (germline): Uncertain significance (1 of 4 stars; one submission).

Conditions:
GPBAR1-related disorder. Also called: GPBAR1-related condition.

gnomAD v4.1: 16 of 1,600,234 alleles (0.001%); highest among the groups gnomAD compares: Non-Finnish European, 0.0014%; no homozygotes.

Submission:

PreventionGenetics, part of Exact Sciences
Classification: Uncertain significance for GPBAR1-related condition. Last evaluated: 2024-12-04. Review status: criteria provided, single submitter. Criteria: ACMG Guidelines, 2015. Collection method: clinical testing. Allele origin: germline.
Comment: The GPBAR1 c.628G>A variant is predicted to result in the amino acid substitution p.Glu210Lys. To our knowledge, this variant has not been reported in the literature or in a large population database (gnomAD), indicating this variant is rare. At this time, the clinical significance of this variant is uncertain due to the absence of conclusive functional and genetic evidence.